The following is an entry in ClinVar:

ClinVar aggregate classification (germline): Uncertain significance. Review status: criteria provided, multiple submitters, no conflicts (2 of 4 stars). 2 submissions from 2 submitters: Uncertain significance (2). Last evaluated 2022-10-04.

Allele frequency attached by ClinVar (database versions not stated): gnomAD exomes below 0.00001; TOPMed below 0.00001.
gnomAD v4.1: 1 of 1,613,508 alleles (0.000062%); highest among the groups gnomAD compares: Non-Finnish European, 0.000085%; no homozygotes.

Submissions (2):

Labcorp Genetics (formerly Invitae), Labcorp
Classification: Uncertain significance. Last evaluated: 2022-10-04. Review status: criteria provided, single submitter. Criteria: Invitae Variant Classification Sherloc (09022015). Collection method: clinical testing. Allele origin: germline.
Comment: In summary, the available evidence is currently insufficient to determine the role of this variant in disease. Therefore, it has been classified as a Variant of Uncertain Significance. Advanced modeling of protein sequence and biophysical properties (such as structural, functional, and spatial information, amino acid conservation, physicochemical variation, residue mobility, and thermodynamic stability) performed at Invitae indicates that this missense variant is not expected to disrupt ADGRV1 protein function. ClinVar contains an entry for this variant (Variation ID: 1478870). This variant has not been reported in the literature in individuals affected with ADGRV1-related conditions. This variant is not present in population databases (gnomAD no frequency). This sequence change replaces isoleucine, which is neutral and non-polar, with threonine, which is neutral and polar, at codon 4602 of the ADGRV1 protein (p.Ile4602Thr).

Blueprint Genetics
Classification: Uncertain significance. Last evaluated: 2018-07-19. Review status: criteria provided, single submitter. Criteria: ACMG Guidelines, 2015. Collection method: clinical testing. Allele origin: germline.

NM_032119.4(ADGRV1):c.13805T>C (p.Ile4602Thr)

Gene: ADGRV1 (adhesion G protein-coupled receptor V1; plus strand). Cytogenetic location: 5q14.3.
Variant type: single nucleotide variant.
Coding change: c.13805T>C on transcript NM_032119.4 (MANE Select); coding-DNA position 13805, T replaced by C.
Protein change: p.Ile4602Thr; replaces isoleucine 4602 with threonine.
Molecular consequence: missense variant. On other transcripts: non-coding transcript variant (1).
Genome position (GRCh38, 1-based): chr5:90,788,222, T>C. VCF-style: chr5-90788222-T-C. GRCh37 (hg19) VCF-style: chr5-90084039-T-C.
Other names: short protein forms I4602T.
Identifiers: ClinVar variation 1478870 (VCV001478870.9), dbSNP rs1759690637, ClinGen allele CA360396764.